The following is an entry in ClinVar:

NM_000059.4(BRCA2):c.2097G>T (p.Gln699His)

Gene: BRCA2 (BRCA2 DNA repair associated; plus strand). Cytogenetic location: 13q13.1.
Variant type: single nucleotide variant.
Coding change: c.2097G>T on transcript NM_000059.4 (MANE Select); coding-DNA position 2097, G replaced by T.
Protein change: p.Gln699His; replaces glutamine 699 with histidine.
Molecular consequence: missense variant.
Genome position (GRCh38, 1-based): chr13:32,336,452, G>T. VCF-style: chr13-32336452-G-T. GRCh37 (hg19) VCF-style: chr13-32910589-G-T.
Other names: 2325G>T; short protein forms Q699H.
Identifiers: ClinVar variation 51243 (VCV000051243.29), dbSNP rs80358486, ClinGen allele CA014338.

ClinVar aggregate classification (germline): Conflicting classifications of pathogenicity. Review status: criteria provided, conflicting classifications (1 of 4 stars). 13 submissions from 13 submitters: Uncertain significance (10); Likely benign (1). 2 of the submissions do not count toward it. Last evaluated 2025-10-06.

Conditions:
Familial prostate cancer. Also called: Hereditary Prostate Cancer. Identifiers: MedGen C2931456, MONDO:0700275, OMIM 176807.
Hereditary cancer-predisposing syndrome. Also called: Neoplastic Syndromes, Hereditary; Tumor predisposition; Hereditary Cancer Syndrome; Hereditary neoplastic syndrome. Identifiers: Orphanet 140162, MedGen C0027672, MeSH D009386, MONDO:0015356.
Hereditary breast ovarian cancer syndrome. Also called: Breast and ovarian cancer; Hereditary breast and ovarian cancer; Hereditary breast and ovarian cancer syndrome (HBOC); Hereditary breast and ovarian cancer syndrome; BRCA1- and BRCA2-Associated Hereditary Breast and Ovarian Cancer; Hereditary breast and/or ovarian cancer syndrome. Identifiers: Orphanet 145, MedGen C0677776, MeSH D061325, MONDO:0003582. Disease mechanism: loss of function.
Breast-ovarian cancer, familial, susceptibility to, 2 (BROVCA2). Also called: BRCA2 Hereditary Breast and Ovarian Cancer. Identifiers: Orphanet 145, MedGen C2675520, MONDO:0012933, OMIM 612555. Disease mechanism: loss of function.

gnomAD v4.1: 13 of 1,613,930 alleles (0.00081%); highest among the groups gnomAD compares: Non-Finnish European, 0.00093%; no homozygotes.

Submissions (13):

Ambry Genetics
Classification: Uncertain significance for Hereditary cancer-predisposing syndrome. Last evaluated: 2025-10-06. Review status: criteria provided, single submitter. Criteria: Ambry Variant Classification Scheme 2023. Collection method: clinical testing. Allele origin: germline.
Comment: The p.Q699H variant (also known as c.2097G>T), located in coding exon 10 of the BRCA2 gene, results from a G to T substitution at nucleotide position 2097. The glutamine at codon 699 is replaced by histidine, an amino acid with highly similar properties. This amino acid position is not well conserved in available vertebrate species. In addition, this alteration is predicted to be tolerated by in silico analysis. Since supporting evidence is limited at this time, the clinical significance of this alteration remains unclear.

Labcorp Genetics (formerly Invitae), Labcorp
Classification: Uncertain significance for Hereditary breast ovarian cancer syndrome. Last evaluated: 2025-10-05. Review status: criteria provided, single submitter. Criteria: Invitae Variant Classification Sherloc (09022015). Collection method: clinical testing. Allele origin: germline.
Comment: This sequence change replaces glutamine, which is neutral and polar, with histidine, which is basic and polar, at codon 699 of the BRCA2 protein (p.Gln699His). This variant is not present in population databases (gnomAD no frequency). This missense change has been observed in individual(s) with BRCA2-related conditions (PMID: 10923033). ClinVar contains an entry for this variant (Variation ID: 51243). Invitae Evidence Modeling of protein sequence and biophysical properties (such as structural, functional, and spatial information, amino acid conservation, physicochemical variation, residue mobility, and thermodynamic stability) indicates that this missense variant is not expected to disrupt BRCA2 protein function with a negative predictive value of 95%. In summary, the available evidence is currently insufficient to determine the role of this variant in disease. Therefore, it has been classified as a Variant of Uncertain Significance.

Women's Health and Genetics/Laboratory Corporation of America, LabCorp
Classification: Uncertain significance. Last evaluated: 2025-07-24. Review status: criteria provided, single submitter. Criteria: LabCorp Variant Classification Summary - May 2015. Collection method: clinical testing. Allele origin: germline.
Comment: Variant summary: BRCA2 c.2097G>T (p.Gln699His) results in a non-conservative amino acid change in the encoded protein sequence. Algorithms developed to predict the effect of missense changes on protein structure and function are either unavailable or do not agree on the potential impact of this missense change. The variant was absent in 250642 control chromosomes. The available data on variant occurrences in the general population are insufficient to allow any conclusion about variant significance. To our knowledge, no occurrence of c.2097G>T in individuals affected with Hereditary Breast And Ovarian Cancer Syndrome and no experimental evidence demonstrating its impact on protein function have been reported. Co-occurrences with other pathogenic variant(s) have been reported in BIC database (BRCA1 c.3756_3759delGTCT, p.Ser1253fs), providing supporting evidence for a benign role. ClinVar contains an entry for this variant (Variation ID: 51243). Based on the evidence outlined above, the variant was classified as uncertain significance.

Department of Pathology and Laboratory Medicine, Sinai Health System
Classification: Uncertain significance for Familial prostate cancer. Last evaluated: 2023-12-12. Review status: criteria provided, single submitter. Criteria: ACMG Guidelines, 2015. Collection method: clinical testing. Allele origin: germline. Affected: yes.

All of Us Research Program, National Institutes of Health
Classification: Uncertain significance for Breast-ovarian cancer, familial, susceptibility to, 2. Last evaluated: 2023-05-08. Review status: criteria provided, single submitter. Criteria: ACMG Guidelines, 2015. Collection method: clinical testing. Allele origin: germline. Inheritance: Autosomal dominant inheritance. Observed: 2 variant alleles, 2 heterozygotes.
Comment: This missense variant replaces glutamine with histidine at codon 699 of the BRCA2 protein. Computational prediction suggests that this variant may not impact protein structure and function (internally defined REVEL score threshold <= 0.5, PMID: 27666373). To our knowledge, functional studies have not been reported for this variant. This variant has not been reported in individuals affected with hereditary cancer in the literature. This variant has not been identified in the general population by the Genome Aggregation Database (gnomAD). The available evidence is insufficient to determine the role of this variant in disease conclusively. Therefore, this variant is classified as a Variant of Uncertain Significance.

This study involves interpretation of variants in research participants for the purpose of population health screening. Participant phenotype was not available at the time of variant classification. Additional details can be found in publication PMID: 35346344, PMCID: PMC8962531

University of Washington Department of Laboratory Medicine, University of Washington
Classification: Likely benign for Hereditary cancer-predisposing syndrome. Last evaluated: 2023-03-23. Review status: criteria provided, single submitter. Criteria: Dines et al. (Genet Med. 2020). Collection method: curation. Allele origin: germline.
Comment: Missense variant in a coldspot region where missense variants are very unlikely to be pathogenic (PMID:31911673).

BRCA2 exon 11 coldspot. Reclassification based on statistical prior probability.

ARUP Laboratories, Molecular Genetics and Genomics, ARUP Laboratories
Classification: Uncertain significance. Last evaluated: 2023-02-10. Review status: criteria provided, single submitter. Criteria: ARUP Molecular Germline Variant Investigation Process 2024. Collection method: clinical testing. Allele origin: germline.
Comment: The BRCA2 c.2097G>T; p.Gln699His variant (rs80358486), to our knowledge, is not reported in the medical literature but is reported in ClinVar (Variation ID: 51243). This variant is absent from the Genome Aggregation Database, indicating it is not a common polymorphism. Computational analyses are uncertain whether this variant is neutral or deleterious (REVEL: 0.198). Due to limited information, the clinical significance of this variant is uncertain at this time.

Color Diagnostics, LLC DBA Color Health
Classification: Uncertain significance for Hereditary cancer-predisposing syndrome. Last evaluated: 2021-10-21. Review status: criteria provided, single submitter. Criteria: ACMG Guidelines, 2015. Collection method: clinical testing. Allele origin: germline.
Comment: This missense variant replaces glutamine with histidine at codon 699 of the BRCA2 protein. Computational prediction suggests that this variant may not impact protein structure and function (internally defined REVEL score threshold <= 0.5, PMID: 27666373). To our knowledge, functional studies have not been reported for this variant. This variant has not been reported in individuals affected with hereditary cancer in the literature. This variant has not been identified in the general population by the Genome Aggregation Database (gnomAD). The available evidence is insufficient to determine the role of this variant in disease conclusively. Therefore, this variant is classified as a Variant of Uncertain Significance.

Quest Diagnostics Nichols Institute San Juan Capistrano
Classification: Uncertain significance. Last evaluated: 2020-11-13. Review status: criteria provided, single submitter. Criteria: Quest Diagnostics criteria. Collection method: clinical testing. Allele origin: unknown.

PreventionGenetics, part of Exact Sciences
Classification: Uncertain significance. Last evaluated: 2017-08-15. Review status: criteria provided, single submitter. Criteria: ACMG Guidelines, 2015. Collection method: clinical testing. Allele origin: germline.

GeneDx
Classification: Uncertain significance. Last evaluated: 2015-11-16. Review status: criteria provided, single submitter. Criteria: GeneDx Variant Classification (06012015). Collection method: clinical testing. Allele origin: germline. Affected: yes.
Comment: This variant is denoted BRCA2 c.2097G>T at the cDNA level, p.Gln699His (Q699H) at the protein level, and results in the change of a Glutamine to a Histidine (CAG>CAT). Using alternate nomenclature, this variant would be defined as BRCA2 2325G>T. This variant has not, to our knowledge, been published in the literature as pathogenic or benign. BRCA2 Gln699His was not observed in approximately 6,500 individuals of European and African American ancestry in the NHLBI Exome Sequencing Project, suggesting it is not a common benign variant in these populations. Since Glutamine and Histidine differ in some properties, this is considered a semi-conservative amino acid substitution. BRCA2 Gln699His occurs at a position that is not conserved and is located in the region of Interaction with NPM1 (UniProt). In silico analyses predict that this variant is unlikely to alter protein structure or function. Based on currently available evidence, it is unclear whether BRCA2 Gln699His is a pathogenic or benign variant. We consider it to be a variant of uncertain significance.

Sharing Clinical Reports Project (SCRP)
Classification: Uncertain significance for Breast-ovarian cancer, familial 2. Last evaluated: 2009-06-08. Review status: no assertion criteria provided. Collection method: clinical testing. Allele origin: germline. Not counted in ClinVar's aggregate classification.

Breast Cancer Information Core (BIC) (BRCA2)
Classification: Uncertain significance for Breast-ovarian cancer, familial 2. Last evaluated: 2003-12-23. Review status: no assertion criteria provided. Collection method: clinical testing. Allele origin: germline. Affected: yes. Observed: 1 variant allele. Not counted in ClinVar's aggregate classification.

Literature cited by the submitters: PubMed 10923033 (cited by Labcorp Genetics (formerly Invitae), Labcorp).